The following is an entry in ClinVar:

NM_000146.4(FTL):c.473C>T (p.Pro158Leu)

Gene: FTL (ferritin light chain; plus strand). Cytogenetic location: 19q13.33.
Variant type: single nucleotide variant.
Coding change: c.473C>T on transcript NM_000146.4 (MANE Select); coding-DNA position 473, C replaced by T.
Protein change: p.Pro158Leu; replaces proline 158 with leucine.
Molecular consequence: missense variant.
Genome position (GRCh38, 1-based): chr19:48,966,680, C>T. VCF-style: chr19-48966680-C-T. GRCh37 (hg19) VCF-style: chr19-49469937-C-T.
Other names: short protein forms P158L.
Identifiers: ClinVar variation 1017882 (VCV001017882.9), dbSNP rs374486686, ClinGen allele CA9562584.

ClinVar aggregate classification (germline): Uncertain significance (1 of 4 stars; one submission).

Conditions:
Hereditary hyperferritinemia with congenital cataracts. Also called: Hereditary hyperferritinemia cataract syndrome; Bonneau-Beaumont syndrome; HYPERFERRITINEMIA WITH OR WITHOUT CATARACT. Identifiers: Orphanet 163, MedGen C1833213, MONDO:0010952, OMIM 600886.
Neuroferritinopathy (NBIA3). Also called: NEURODEGENERATION WITH BRAIN IRON ACCUMULATION 3; BASAL GANGLIA DISEASE, ADULT-ONSET. Identifiers: Orphanet 157846, MedGen C1853578, MONDO:0011638, OMIM 606159.

Allele frequency attached by ClinVar (database versions not stated): gnomAD 0.00001; gnomAD exomes 0.00001 and 0.00003; TOPMed 0.00002; ExAC 0.00003; ESP Exome Variant Server 0.00008.

Submission:

Labcorp Genetics (formerly Invitae), Labcorp
Classification: Uncertain significance for Neuroferritinopathy; Hereditary hyperferritinemia with congenital cataracts. Last evaluated: 2024-07-08. Review status: criteria provided, single submitter. Criteria: Invitae Variant Classification Sherloc (09022015). Collection method: clinical testing. Allele origin: germline.
Comment: This sequence change replaces proline, which is neutral and non-polar, with leucine, which is neutral and non-polar, at codon 158 of the FTL protein (p.Pro158Leu). This variant is present in population databases (rs374486686, gnomAD 0.02%). This missense change has been observed in individual(s) with L-ferritin deficiency (PMID: 32241646). ClinVar contains an entry for this variant (Variation ID: 1017882). An algorithm developed to predict the effect of missense changes on protein structure and function (PolyPhen-2) suggests that this variant is likely to be tolerated. In summary, the available evidence is currently insufficient to determine the role of this variant in disease. Therefore, it has been classified as a Variant of Uncertain Significance.

Literature cited by the submitters: PubMed 32241646.